The following is an entry in ClinVar:

NM_025179.4(PLXNA2):c.810C>T (p.Ser270=)

Gene: PLXNA2 (plexin A2; minus strand). Cytogenetic location: 1q32.2.
Variant type: single nucleotide variant.
Coding change: c.810C>T on transcript NM_025179.4 (MANE Select); coding-DNA position 810, C replaced by T.
Protein change: p.Ser270=; no amino-acid change (serine 270 retained).
Molecular consequence: synonymous variant.
Genome position (GRCh38, 1-based): chr1:208,217,113, G>A on the plus strand (C>T on the coding strand, the complement: PLXNA2 is on the minus strand). VCF-style: chr1-208217113-G-A. GRCh37 (hg19) VCF-style: chr1-208390458-G-A.
Identifiers: ClinVar variation 3358011 (VCV003358011.1).

ClinVar aggregate classification (germline): Likely benign (0 of 4 stars; one submission).

Conditions:
PLXNA2-related disorder. Also called: PLXNA2-related condition.

gnomAD v4.1: 75 of 1,614,012 alleles (0.0046%); highest among the groups gnomAD compares: East Asian, 0.0067%; no homozygotes.

Submission:

PreventionGenetics, part of Exact Sciences
Classification: Likely benign for PLXNA2-related condition. Last evaluated: 2024-03-05. Review status: no assertion criteria provided. Collection method: clinical testing. Allele origin: germline.
Comment: This variant is classified as likely benign based on ACMG/AMP sequence variant interpretation guidelines (Richards et al. 2015 PMID: 25741868, with internal and published modifications).